The following is an entry in ClinVar:

NM_001367624.2(ZNF469):c.9323C>T (p.Ala3108Val)

Gene: ZNF469 (zinc finger protein 469; plus strand). Cytogenetic location: 16q24.2.
Variant type: single nucleotide variant.
Coding change: c.9323C>T on transcript NM_001367624.2 (MANE Select); coding-DNA position 9323, C replaced by T.
Protein change: p.Ala3108Val; replaces alanine 3108 with valine.
Molecular consequence: missense variant.
Genome position (GRCh38, 1-based): chr16:88,436,793, C>T. VCF-style: chr16-88436793-C-T. GRCh37 (hg19) VCF-style: chr16-88503201-C-T.
Other names: NM_001127464.1:c.9239C>T; short protein forms A3108V.
Identifiers: ClinVar variation 3821096 (VCV003821096.1).

ClinVar aggregate classification (germline): Uncertain significance (1 of 4 stars; one submission).

Conditions:
Cardiovascular phenotype. Identifiers: MedGen CN230736.

gnomAD v4.1: 8 of 1,543,796 alleles (0.00052%); highest among the groups gnomAD compares: Non-Finnish European, 0.0007%; no homozygotes.

Submission:

Ambry Genetics
Classification: Uncertain significance for Cardiovascular phenotype. Last evaluated: 2024-12-21. Review status: criteria provided, single submitter. Criteria: Ambry Variant Classification Scheme 2023. Collection method: clinical testing. Allele origin: germline.
Comment: The p.A3080V variant (also known as c.9239C>T), located in coding exon 2 of the ZNF469 gene, results from a C to T substitution at nucleotide position 9239. The alanine at codon 3080 is replaced by valine, an amino acid with similar properties. This amino acid position is conserved. In addition, this alteration is predicted to be tolerated by in silico analysis. Based on the available evidence, the clinical significance of this variant remains unclear.